The following is an entry in ClinVar:

NM_006623.4(PHGDH):c.717_718insACAGATGTGTATAAGA (p.Val240fs)

Gene: PHGDH (phosphoglycerate dehydrogenase; plus strand). Cytogenetic location: 1p12.
Variant type: Insertion.
Coding change: c.717_718insACAGATGTGTATAAGA on transcript NM_006623.4 (MANE Select); coding-DNA positions 717 to 718, ACAGATGTGTATAAGA inserted.
Protein change: p.Val240fs; shifts the reading frame from valine 240.
Molecular consequence: frameshift variant.
Genome position: GRCh38 VCF-style: chr1-119735368-C-CACAGATGTGTATAAGA. GRCh37 (hg19) VCF-style: chr1-120277991-C-CACAGATGTGTATAAGA.
Other names: short protein forms V240fs.
Identifiers: ClinVar variation 5016433 (VCV005016433.1).

ClinVar aggregate classification (germline): Pathogenic (1 of 4 stars; one submission).

Conditions:
Neurometabolic disorder due to serine deficiency. Identifiers: Orphanet 35705, MedGen C5680148, MONDO:0018162.

Submission:

Myriad Genetics, Inc.
Classification: Pathogenic for Neurometabolic disorder due to serine deficiency. Last evaluated: 2024-05-14. Review status: criteria provided, single submitter. Criteria: Myriad Autosomal Dominant, Autosomal Recessive and X-Linked Classification Criteria (2023). Collection method: clinical testing. Allele origin: unknown.
Comment: NM_006623.3(PHGDH):c.717_718ins16(V240Tfs*42) is expected to be pathogenic in the context of serine deficiency disorder, PHGDH-related. This variant is predicted to lead to an abnormal or absent protein product due to the creation of a premature termination codon in PHGDH, a gene where loss-of-function variants are known to be pathogenic. Please note: this variant was assessed in the context of healthy population screening.